The following is an entry in ClinVar:

ClinVar aggregate classification (germline): Pathogenic (1 of 4 stars; one submission).

Conditions:
Hereditary cancer-predisposing syndrome. Also called: Hereditary Cancer Syndrome; Hereditary neoplastic syndrome; Tumor predisposition; Neoplastic Syndromes, Hereditary. Identifiers: Orphanet 140162, MedGen C0027672, MeSH D009386, MONDO:0015356.
Cardiovascular phenotype. Identifiers: MedGen CN230736.

Submission:

Ambry Genetics
Classification: Pathogenic for Cardiovascular phenotype; Hereditary cancer-predisposing syndrome. Last evaluated: 2024-09-05. Review status: criteria provided, single submitter. Criteria: Ambry Variant Classification Scheme 2023. Collection method: clinical testing. Allele origin: germline.
Comment: The c.741_742delCG pathogenic mutation, located in coding exon 8 of the LZTR1 gene, results from a deletion of two nucleotides at nucleotide positions 741 to 742, causing a translational frameshift with a predicted alternate stop codon (p.S247Rfs*12). This variant is considered to be rare based on population cohorts in the Genome Aggregation Database (gnomAD). Loss-of-function variants in LZTR1 are related to an increased risk for schwannomas and autosomal recessive Noonan syndrome; however, such associations with autosomal dominant Noonan syndrome have not been observed (Piotrowski A et al. Nat Genet. 2014 Feb;46:182-7; Yamamoto GL et al. J Med Genet. 2015 Jun;52:413-21; Johnston JJ et al. Genet Med. 2018 10;20:1175-1185). Based on the supporting evidence, this variant is pathogenic for an increased risk of LZTR1-related schwannomatosis (SWN) and would be expected to cause autosomal recessive Noonan syndrome when present along with a second pathogenic or likely pathogenic variant on the other allele; however, the association of this alteration with autosomal dominant Noonan syndrome is unlikely.

NM_006767.4(LZTR1):c.741_742del (p.Ser247fs)

Gene: LZTR1 (leucine zipper like post translational regulator 1; plus strand). Cytogenetic location: 22q11.21.
Variant type: Deletion.
Coding change: c.741_742del on transcript NM_006767.4 (MANE Select); coding-DNA positions 741 to 742, 2 bases deleted (CG; older notation c.741_742delCG).
Protein change: p.Ser247fs; shifts the reading frame from serine 247.
Molecular consequence: frameshift variant.
Genome position (GRCh38, 1-based): chr22:20,990,475-20,990,476, CG deleted; deleting any 2 consecutive bases within chr22:20,990,474-20,990,476 gives the same sequence; the c. name uses the placement nearest the transcript's 3' end. VCF-style (leftmost placement, unchanged base first): chr22-20990473-AGC-A. GRCh37 (hg19) VCF-style: chr22-21344762-AGC-A.
Other names: short protein forms S247fs.
Identifiers: ClinVar variation 3541609 (VCV003541609.1).
Genomic context (GRCh38, chr22:20,990,473, plus strand): 5'-TCTTGCTGCAACTTCCCCGTGGCTGTGTGCCGGGACAAGATGTTTGTATTCTCTGGGCAA[AGC>A]GGAGCCAAAATAACCAACAACCTCTTCCAGTTTGAATTCAAGGACAAGACGTGAGTACTC-3'